The following is an entry in ClinVar:

ClinVar aggregate classification (germline): Likely benign. Review status: criteria provided, multiple submitters, no conflicts (2 of 4 stars). 4 submissions from 4 submitters: Likely benign (4). Last evaluated 2026-09-24.

Conditions:
PLEKHG5-related disorder. Also called: PLEKHG5-related condition.
Neuronopathy, distal hereditary motor, autosomal recessive 4. Also called: Autosomal recessive lower motor neuron disease with childhood onset; NEUROPATHY, DISTAL HEREDITARY MOTOR, AUTOSOMAL RECESSIVE 4. Identifiers: Orphanet 206580, MedGen C1970211, MONDO:0012608, OMIM 611067.
Charcot-Marie-Tooth disease recessive intermediate C. Also called: CHARCOT-MARIE-TOOTH NEUROPATHY, RECESSIVE INTERMEDIATE C. Identifiers: Orphanet 369867, MedGen C3809309, MONDO:0014154, OMIM 615376.

Allele frequency attached by ClinVar (database versions not stated): ExAC 0.00004; gnomAD exomes 0.00004 and 0.00005; gnomAD 0.00006 and 0.00007; TOPMed 0.00007.
gnomAD v4.1: 70 of 1,604,986 alleles (0.0044%); highest among the groups gnomAD compares: South Asian, 0.013%; no homozygotes.

Submissions (4):

PreventionGenetics, part of Exact Sciences
Classification: Likely benign for PLEKHG5-related condition. Last evaluated: 2026-09-24. Review status: criteria provided, single submitter. Criteria: ACMG Guidelines, 2015. Collection method: clinical testing. Allele origin: germline.
Comment: This variant is classified as likely benign based on ACMG/AMP sequence variant interpretation guidelines (Richards et al. 2015 PMID: 25741868, with internal and published modifications).

Labcorp Genetics (formerly Invitae), Labcorp
Classification: Likely benign for Neuronopathy, distal hereditary motor, autosomal recessive 4; Charcot-Marie-Tooth disease recessive intermediate C. Last evaluated: 2026-01-17. Review status: criteria provided, single submitter. Criteria: Invitae Variant Classification Sherloc (09022015). Collection method: clinical testing. Allele origin: germline.

Blueprint Genetics
Classification: Likely benign. Last evaluated: 2024-10-01. Review status: criteria provided, single submitter. Criteria: ACMG Guidelines, 2015. Collection method: clinical testing. Allele origin: germline.

Women's Health and Genetics/Laboratory Corporation of America, LabCorp
Classification: Likely benign. Last evaluated: 2023-12-07. Review status: criteria provided, single submitter. Criteria: LabCorp Variant Classification Summary - May 2015. Collection method: clinical testing. Allele origin: germline.

NM_020631.6(PLEKHG5):c.768C>T (p.Ser256=)

Gene: PLEKHG5 (pleckstrin homology and RhoGEF domain containing G5; minus strand). Cytogenetic location: 1p36.31.
Variant type: single nucleotide variant.
Coding change: c.768C>T on transcript NM_020631.6 (MANE Select); coding-DNA position 768, C replaced by T.
Protein change: p.Ser256=; no amino-acid change (serine 256 retained).
Molecular consequence: synonymous variant.
Genome position (GRCh38, 1-based): chr1:6,473,278, G>A on the plus strand (C>T on the coding strand, the complement: PLEKHG5 is on the minus strand). VCF-style: chr1-6473278-G-A. GRCh37 (hg19) VCF-style: chr1-6533338-G-A.
Other names: c.879C>T, p.Ser293= (NM_001042663.3, NM_001265592.2); c.768C>T, p.Ser256= (NM_001042664.2, NM_001042665.2, NM_001265594.3 and 1 more transcripts); c.975C>T, p.Ser325= (NM_001265593.2).
Identifiers: ClinVar variation 704875 (VCV000704875.14), dbSNP rs780935962, ClinGen allele CA561761.